The following is an entry in ClinVar:

ClinVar aggregate classification (germline): Pathogenic (1 of 4 stars; one submission).

Conditions:
Hyper-IgM syndrome type 1. Also called: Hyper-IgM Immunodeficiency Syndrome, Type 1; Immunodeficiency, X-linked, with hyper-IgM; CD40 Ligand Deficiency; X-linked hyper-IgM syndrome. Identifiers: Orphanet 101088, MedGen C0398689, MONDO:0010626, OMIM 308230.

Submission:

Labcorp Genetics (formerly Invitae), Labcorp
Classification: Pathogenic for Immunodeficiency with hyper IgM type 1. Last evaluated: 2019-06-21. Review status: criteria provided, single submitter. Criteria: Invitae Variant Classification Sherloc (09022015). Collection method: clinical testing. Allele origin: germline.
Comment: This variant is a gross deletion of the genomic region encompassing exons 1-3 of the CD40LG gene, which includes the initiator codon. The 5' end of this event is unknown as it extends beyond the assayed region for this gene and therefore may encompass additional genes. The 3' boundary is likely confined to intron 3 of the CD40LG gene. This is expected to result in an absent or disrupted protein product. This variant has been observed in a family affected with hyper-IgM syndrome (PMID: 15358621). Loss-of-function variants in CD40LG are known to be pathogenic (PMID: 15319456). For these reasons, this variant has been classified as Pathogenic.

Literature cited by the submitters: PubMed 15358621.

NC_000023.11:g.(?_136648058)_(136654450_?)del

Gene: CD40LG (CD40 ligand; plus strand). Cytogenetic location: Xq26.3.
Variant type: Deletion.
Identifiers: ClinVar variation 831629 (VCV000831629.1).